The following is an entry in ClinVar:

NM_018979.4(WNK1):c.2003G>A (p.Arg668Gln)

Gene: WNK1 (WNK lysine deficient protein kinase 1; plus strand). Cytogenetic location: 12p13.33.
Variant type: single nucleotide variant.
Coding change: c.2003G>A on transcript NM_018979.4 (MANE Select); coding-DNA position 2003, G replaced by A.
Protein change: p.Arg668Gln; replaces arginine 668 with glutamine.
Molecular consequence: missense variant.
Genome position (GRCh38, 1-based): chr12:862,134, G>A. VCF-style: chr12-862134-G-A. GRCh37 (hg19) VCF-style: chr12-971300-G-A.
Other names: c.2003G>A, p.Arg668Gln (NM_001184985.2, NM_014823.3, NM_213655.5); short protein forms R668Q.
Identifiers: ClinVar variation 1498985 (VCV001498985.8), dbSNP rs753167766, ClinGen allele CA6382088.

ClinVar aggregate classification (germline): Uncertain significance (1 of 4 stars; one submission).

Conditions:
Neuropathy, hereditary sensory and autonomic, type 2A (HSAN2A). Also called: ACROOSTEOLYSIS, GIACCAI TYPE; ACROOSTEOLYSIS, NEUROGENIC; MORVAN DISEASE; NEUROPATHY, CONGENITAL SENSORY; NEUROPATHY, HEREDITARY SENSORY RADICULAR, AUTOSOMAL RECESSIVE; NEUROPATHY, HEREDITARY SENSORY, TYPE IIA. Identifiers: Orphanet 970, MedGen C2752089, MONDO:0024309, OMIM 201300.
Pseudohypoaldosteronism type 2C (PHA2C). Also called: Pseudohypoaldosteronism Type IIC. Identifiers: Orphanet 757, Orphanet 88940, MedGen C1840391, MONDO:0013778, OMIM 614492.

Allele frequency attached by ClinVar (database versions not stated): ExAC 0.00001; gnomAD exomes 0.00001.
gnomAD v4.1: 5 of 1,613,974 alleles (0.00031%); highest among the groups gnomAD compares: African/African-American, 0.0013%; no homozygotes.

Submission:

Labcorp Genetics (formerly Invitae), Labcorp
Classification: Uncertain significance for Neuropathy, hereditary sensory and autonomic, type 2A; Pseudohypoaldosteronism type 2C. Last evaluated: 2024-05-06. Review status: criteria provided, single submitter. Criteria: Invitae Variant Classification Sherloc (09022015). Collection method: clinical testing. Allele origin: germline.
Comment: This sequence change replaces arginine, which is basic and polar, with glutamine, which is neutral and polar, at codon 668 of the WNK1 protein (p.Arg668Gln). This variant is present in population databases (rs753167766, gnomAD 0.007%). This variant has not been reported in the literature in individuals affected with WNK1-related conditions. ClinVar contains an entry for this variant (Variation ID: 1498985). Advanced modeling of protein sequence and biophysical properties (such as structural, functional, and spatial information, amino acid conservation, physicochemical variation, residue mobility, and thermodynamic stability) performed at Invitae indicates that this missense variant is not expected to disrupt WNK1 protein function with a negative predictive value of 95%. In summary, the available evidence is currently insufficient to determine the role of this variant in disease. Therefore, it has been classified as a Variant of Uncertain Significance.